The following is an entry in ClinVar:

NM_006767.3(LZTR1):c.404_415del12

Gene: LZTR1 (leucine zipper like post translational regulator 1; plus strand). Cytogenetic location: 22q11.21.
Variant type: Deletion.
Coding change: c.404_415del12 on transcript NM_006767.3; coding-DNA positions 404 to 415, 12 bases deleted (GTTACACTGGGG).
Genome position (GRCh38, 1-based): chr22:20,988,013-20,988,024, GTTACACTGGGG deleted; deleting any 12 consecutive bases within chr22:20,988,009-20,988,024 gives the same sequence; the c. name uses the placement nearest the transcript's 3' end. VCF-style (leftmost placement, unchanged base first): chr22-20988008-AGGGGGTTACACT-A. GRCh37 (hg19) VCF-style: chr22-21342297-AGGGGGTTACACT-A.
Identifiers: ClinVar variation 4615656 (VCV004615656.1).

ClinVar aggregate classification (germline): Uncertain significance (1 of 4 stars; one submission).

Conditions:
Cardiovascular phenotype. Identifiers: MedGen CN230736.
Hereditary cancer-predisposing syndrome. Also called: Hereditary Cancer Syndrome; Neoplastic Syndromes, Hereditary; Tumor predisposition; Hereditary neoplastic syndrome. Identifiers: Orphanet 140162, MedGen C0027672, MeSH D009386, MONDO:0015356.

Submission:

Ambry Genetics
Classification: Uncertain significance for Cardiovascular phenotype; Hereditary cancer-predisposing syndrome. Last evaluated: 2025-11-25. Review status: criteria provided, single submitter. Criteria: Ambry Variant Classification Scheme 2023. Collection method: clinical testing. Allele origin: germline.
Comment: The c.404_415del12 variant (also known as p.G135_G138del) is located in coding exon 5 of the LZTR1 gene. This variant results from an in-frame GTTACACTGGGG deletion at nucleotide positions 404 to 415. This results in the in-frame deletion of four amino acids at codons 135 to 138. This amino acid region is highly conserved in available vertebrate species. In addition, this variant is predicted to be deleterious by in silico analysis (Choi Y et al. PLoS ONE. 2012; 7(10):e46688). Based on the available evidence, the clinical significance of this variant remains unclear.